The following is an entry in ClinVar:

ClinVar aggregate classification (germline): Uncertain significance (1 of 4 stars; one submission).

Conditions:
Charcot-Marie-Tooth disease type 2. Also called: Charcot-Marie-Tooth type 2. Identifiers: Orphanet 64746, MedGen C0270914, MONDO:0018993.

gnomAD v4.1: 11 of 1,614,134 alleles (0.00068%); highest among the groups gnomAD compares: South Asian, 0.0022%; no homozygotes.

Submission:

Labcorp Genetics (formerly Invitae), Labcorp
Classification: Uncertain significance for Charcot-Marie-Tooth disease type 2. Last evaluated: 2025-12-21. Review status: criteria provided, single submitter. Criteria: Invitae Variant Classification Sherloc (09022015). Collection method: clinical testing. Allele origin: germline.
Comment: This sequence change replaces arginine, which is basic and polar, with glutamine, which is neutral and polar, at codon 303 of the AARS protein (p.Arg303Gln). This variant is present in population databases (rs369366275, gnomAD 0.007%). This variant has not been reported in the literature in individuals affected with AARS-related conditions. Invitae Evidence Modeling of protein sequence and biophysical properties (such as structural, functional, and spatial information, amino acid conservation, physicochemical variation, residue mobility, and thermodynamic stability) indicates that this missense variant is expected to disrupt AARS protein function with a positive predictive value of 95%. In summary, the available evidence is currently insufficient to determine the role of this variant in disease. Therefore, it has been classified as a Variant of Uncertain Significance.

NM_001605.3(AARS1):c.908G>A (p.Arg303Gln)

Gene: AARS1 (alanyl-tRNA synthetase 1; minus strand). Cytogenetic location: 16q22.1.
Variant type: single nucleotide variant.
Coding change: c.908G>A on transcript NM_001605.3 (MANE Select); coding-DNA position 908, G replaced by A.
Protein change: p.Arg303Gln; replaces arginine 303 with glutamine.
Molecular consequence: missense variant.
Genome position (GRCh38, 1-based): chr16:70,269,672, C>T on the plus strand (G>A on the coding strand, the complement: AARS1 is on the minus strand). VCF-style: chr16-70269672-C-T. GRCh37 (hg19) VCF-style: chr16-70303575-C-T.
Other names: short protein forms R303Q.
Identifiers: ClinVar variation 4801570 (VCV004801570.1).